The following is an entry in ClinVar:

NM_001282531.3(ADNP):c.833AGA[1] (p.Lys279del)

Gene: ADNP (activity dependent neuroprotector homeobox; minus strand). Cytogenetic location: 20q13.13.
Variant type: Microsatellite.
Coding change: c.833AGA[1] on transcript NM_001282531.3 (MANE Select); one copy of the 3-base unit AGA starting at c.833; the reference has two copies in a row; one copy, 3 bases deleted.
Protein change: p.Lys279del; deletes lysine 279.
Molecular consequence: inframe deletion.
Genome position (GRCh38, 1-based): chr20:50,893,876-50,893,878, TCT deleted on the plus strand (AGA on the coding strand, the reverse complement: ADNP is on the minus strand); deleting any 3 consecutive bases within chr20:50,893,876-50,893,882 gives the same sequence; the position shown is the placement nearest the transcript's 3' end. VCF-style (leftmost placement, unchanged base first): chr20-50893875-CTCT-C. GRCh37 (hg19) VCF-style: chr20-49510412-CTCT-C.
Other names: c.833AGA[1], p.Lys279del (NM_001282532.2, NM_001347511.2, NM_015339.5 and 1 more transcripts); c.836_838delAGA (NM_001282531.2, NM_015339.2); short protein forms K279del.
Identifiers: ClinVar variation 589741 (VCV000589741.14), dbSNP rs771131110, ClinGen allele CA9908830.

ClinVar aggregate classification (germline): Benign/Likely benign. Review status: criteria provided, multiple submitters, no conflicts (2 of 4 stars). 5 submissions from 5 submitters: Benign (3); Likely benign (1). 1 of the submissions does not count toward it. Last evaluated 2025-06-12.

Conditions:
Inborn genetic diseases. Identifiers: MedGen C0950123, MeSH D030342.
ADNP-related disorder. Also called: ADNP-related condition.
ADNP-related multiple congenital anomalies - intellectual disability - autism spectrum disorder. Also called: Helsmoortel-Van der Aa Syndrome; ADNP-Related Helsmoortel-Van der Aa Syndrome. Identifiers: Orphanet 404448, MedGen C4014538, MONDO:0014379, OMIM 615873. Disease mechanism: loss of function.

Submissions (5):

Labcorp Genetics (formerly Invitae), Labcorp
Classification: Likely benign. Last evaluated: 2025-06-12. Review status: criteria provided, single submitter. Criteria: Invitae Variant Classification Sherloc (09022015). Collection method: clinical testing. Allele origin: germline.

Genome-Nilou Lab
Classification: Benign for ADNP-related multiple congenital anomalies - intellectual disability - autism spectrum disorder. Last evaluated: 2021-12-05. Review status: criteria provided, single submitter. Criteria: ACMG Guidelines, 2015. Collection method: clinical testing. Allele origin: germline. Affected: no.

GeneDx
Classification: Benign. Last evaluated: 2020-11-04. Review status: criteria provided, single submitter. Criteria: GeneDx Variant Classification Process June 2021. Collection method: clinical testing. Allele origin: germline. Affected: yes.

Ambry Genetics
Classification: Benign for Inborn genetic diseases. Last evaluated: 2019-01-08. Review status: criteria provided, single submitter. Criteria: Ambry Variant Classification Scheme 2023. Collection method: clinical testing. Allele origin: germline.

PreventionGenetics, part of Exact Sciences
Classification: Likely benign for ADNP-related condition. Last evaluated: 2020-12-03. Review status: no assertion criteria provided. Collection method: clinical testing. Allele origin: germline. Not counted in ClinVar's aggregate classification.
Comment: This variant is classified as likely benign based on ACMG/AMP sequence variant interpretation guidelines (Richards et al. 2015 PMID: 25741868, with internal and published modifications).